The following is an entry in ClinVar:

ClinVar aggregate classification (germline): Uncertain significance (1 of 4 stars; one submission).

Conditions:
VPS13B-related disorder. Also called: VPS13B-related condition.

Submission:

PreventionGenetics, part of Exact Sciences
Classification: Uncertain significance for VPS13B-related condition. Last evaluated: 2025-05-27. Review status: criteria provided, single submitter. Criteria: ACMG Guidelines, 2015. Collection method: clinical testing. Allele origin: germline.
Comment: The VPS13B c.4398A>T variant is predicted to result in the amino acid substitution p.Glu1466Asp. To our knowledge, this variant has not been reported in the literature or in a large population database (gnomAD), indicating this variant is rare. At this time, the clinical significance of this variant is uncertain due to the absence of conclusive functional and genetic evidence.

NM_152564.5(VPS13B):c.4398A>T (p.Glu1466Asp)

Gene: VPS13B (vacuolar protein sorting 13 homolog B; plus strand). Cytogenetic location: 8q22.2.
Variant type: single nucleotide variant.
Coding change: c.4398A>T on transcript NM_152564.5 (MANE Select); coding-DNA position 4398, A replaced by T.
Protein change: p.Glu1466Asp; replaces glutamic acid 1466 with aspartic acid.
Molecular consequence: missense variant.
Genome position (GRCh38, 1-based): chr8:99,511,277, A>T. VCF-style: chr8-99511277-A-T. GRCh37 (hg19) VCF-style: chr8-100523505-A-T.
Other names: c.4473A>T, p.Glu1491Asp (NM_017890.5); short protein forms E1491D, E1466D.
Identifiers: ClinVar variation 4998270 (VCV004998270.1).